The following is an entry in ClinVar:

NM_001267550.2(TTN):c.25639G>T (p.Glu8547Ter)

Gene: TTN (titin; minus strand). Cytogenetic location: 2q31.2.
Variant type: single nucleotide variant.
Coding change: c.25639G>T on transcript NM_001267550.2 (MANE Select); coding-DNA position 25639, G replaced by T.
Protein change: p.Glu8547Ter; replaces glutamic acid 8547 with a stop codon.
Molecular consequence: nonsense. On other transcripts: intron variant (3).
Genome position (GRCh38, 1-based): chr2:178,717,095, C>A on the plus strand (G>T on the coding strand, the complement: TTN is on the minus strand). VCF-style: chr2-178717095-C-A. GRCh37 (hg19) VCF-style: chr2-179581822-C-A.
Other names: c.24688G>T, p.Glu8230Ter (NM_001256850.1); c.21907G>T, p.Glu7303Ter (NM_133378.4); c.13282+20987G>T (NM_003319.4); c.13858+20987G>T (NM_133437.4); c.13657+20987G>T (NM_133432.3); short protein forms E8547*, E7303*, E8230*.
Identifiers: ClinVar variation 4784903 (VCV004784903.1).
Genomic context (GRCh38, chr2:178,717,095, plus strand): 5'-CCTATATTTTAAGATACTGAAAATGTAAAAGAGATCTTGCTCCTTCACTCTAACAAGTAC[C>A]TTGTACACCCAGCTGAGCAGAACAAGAGTCTTTTCCAGCGATGTTGCTTGCATAGCAGGT-3'

ClinVar aggregate classification (germline): Likely pathogenic (1 of 4 stars; one submission).

Conditions:
Autosomal recessive limb-girdle muscular dystrophy type 2J (LGMDR10). Also called: Limb-girdle muscular dystrophy, type 2J; MUSCULAR DYSTROPHY, LIMB-GIRDLE, AUTOSOMAL RECESSIVE 10. Identifiers: Orphanet 140922, MedGen C1837342, MONDO:0012127, OMIM 608807.
Dilated cardiomyopathy 1G (CMD1G). Identifiers: Orphanet 154, MedGen C1858763, MONDO:0011400, OMIM 604145.

gnomAD v4.1: 1 of 1,609,078 alleles (0.000062%); highest among the groups gnomAD compares: Non-Finnish European, 0.000085%; no homozygotes.

Submission:

Labcorp Genetics (formerly Invitae), Labcorp
Classification: Likely pathogenic for Dilated cardiomyopathy 1G; Autosomal recessive limb-girdle muscular dystrophy type 2J. Last evaluated: 2025-05-04. Review status: criteria provided, single submitter. Criteria: Invitae Variant Classification Sherloc (09022015). Collection method: clinical testing. Allele origin: germline.
Comment: This sequence change creates a premature translational stop signal (p.Glu8547*) in the TTN gene. While this is not anticipated to result in nonsense mediated decay, it is expected to create a truncated TTN protein. This variant is not present in population databases (gnomAD no frequency). This variant has not been reported in the literature in individuals affected with TTN-related conditions. Algorithms developed to predict the effect of sequence changes on RNA splicing suggest that this variant may disrupt the consensus splice site. This variant is located in the I band of TTN (PMID: 25589632). Truncating variants in this region have been reported in individuals affected with autosomal recessive centronuclear myopathy (PMID: 23975875, internal data). Truncating variants in this region have also been identified in individuals affected with autosomal dominant dilated cardiomyopathy and/or cardio-related conditions (PMID: 27869827, 32964742, internal data). In summary, the currently available evidence indicates that the variant is pathogenic, but additional data are needed to prove that conclusively. Therefore, this variant has been classified as Likely Pathogenic.

Literature cited by the submitters: PubMed 25589632; PubMed 23975875; PubMed 27869827; PubMed 32964742.